The following is an entry in ClinVar:

ClinVar aggregate classification (germline): Uncertain significance. Review status: criteria provided, multiple submitters, no conflicts (2 of 4 stars). 2 submissions from 2 submitters: Uncertain significance (2). Last evaluated 2024-06-16.

Conditions:
Congenital myasthenic syndrome 4A. Also called: Myasthenic syndrome, congenital, 4a, slow-channel; MYASTHENIC SYNDROME, CONGENITAL, 4A, SLOW-CHANNEL, AUTOSOMAL RECESSIVE; CONGENITAL MYASTHENIC SYNDROME TYPE Ia1. Identifiers: Orphanet 590, MedGen C4225413, MONDO:0011600, OMIM 605809.

Submissions (2):

GeneDx
Classification: Uncertain significance. Last evaluated: 2024-06-16. Review status: criteria provided, single submitter. Criteria: GeneDx Variant Classification Process June 2021. Collection method: clinical testing. Allele origin: germline. Affected: yes.
Comment: In silico analysis indicates that this missense variant does not alter protein structure/function; Has not been previously published as pathogenic or benign to our knowledge

Labcorp Genetics (formerly Invitae), Labcorp
Classification: Uncertain significance for Congenital myasthenic syndrome 4A. Last evaluated: 2022-11-17. Review status: criteria provided, single submitter. Criteria: Invitae Variant Classification Sherloc (09022015). Collection method: clinical testing. Allele origin: germline.
Comment: Advanced modeling of protein sequence and biophysical properties (such as structural, functional, and spatial information, amino acid conservation, physicochemical variation, residue mobility, and thermodynamic stability) performed at Invitae indicates that this missense variant is not expected to disrupt CHRNE protein function. In summary, the available evidence is currently insufficient to determine the role of this variant in disease. Therefore, it has been classified as a Variant of Uncertain Significance. This variant has not been reported in the literature in individuals affected with CHRNE-related conditions. This variant is present in population databases (no rsID available, gnomAD 0.006%). This sequence change replaces methionine, which is neutral and non-polar, with isoleucine, which is neutral and non-polar, at codon 320 of the CHRNE protein (p.Met320Ile).

NM_000080.4(CHRNE):c.960G>A (p.Met320Ile)

Genes: C17orf107 (chromosome 17 open reading frame 107; plus strand), CHRNE (cholinergic receptor nicotinic epsilon subunit; minus strand). Cytogenetic location: 17p13.2.
Variant type: single nucleotide variant.
Coding change: c.960G>A on transcript NM_000080.4 (MANE Select); coding-DNA position 960, G replaced by A.
Protein change: p.Met320Ile; replaces methionine 320 with isoleucine.
Molecular consequence: missense variant. On other transcripts: 5 prime UTR variant (1).
Genome position (GRCh38, 1-based): chr17:4,899,540, C>T on the plus strand (G>A on the coding strand, the complement: CHRNE is on the minus strand). VCF-style: chr17-4899540-C-T. GRCh37 (hg19) VCF-style: chr17-4802835-C-T.
Other names: c.-223C>T (NM_001145536.2); short protein forms M320I.
Identifiers: ClinVar variation 1966721 (VCV001966721.7), dbSNP rs1327225681, ClinGen allele CA397301010.
Genomic context (GRCh38, chr17:4,899,540, plus strand): 5'-CGGGGACATGGCGTGGGTGGTGGGCGTCCGCTGGGACACGTTGAGCACGATGACGCAATT[C>T]ATGACAATGAGCGTGGCGACCACCATGACGAAAATAAGGAACCTGAGGAGCCCGGAAGGC-3'
Protein context (NP_000071.1, residues 310-330): FVMVVATLIV[Met320Ile]NCVIVLNVSQ